The following is an entry in ClinVar:

ClinVar aggregate classification (germline): Uncertain significance (1 of 4 stars; one submission).

Submission:

Labcorp Genetics (formerly Invitae), Labcorp
Classification: Uncertain significance. Last evaluated: 2023-05-21. Review status: criteria provided, single submitter. Criteria: Invitae Variant Classification Sherloc (09022015). Collection method: clinical testing. Allele origin: germline.
Comment: In summary, the available evidence is currently insufficient to determine the role of this variant in disease. Therefore, it has been classified as a Variant of Uncertain Significance. An algorithm developed to predict the effect of missense changes on protein structure and function (PolyPhen-2) suggests that this variant is likely to be tolerated. This variant has not been reported in the literature in individuals affected with FUK-related conditions. This variant is not present in population databases (gnomAD no frequency). This sequence change replaces tryptophan, which is neutral and slightly polar, with leucine, which is neutral and non-polar, at codon 575 of the FUK protein (p.Trp575Leu).

NM_145059.3(FCSK):c.1724G>T (p.Trp575Leu)

Gene: FCSK (fucose kinase; plus strand). Cytogenetic location: 16q22.1.
Variant type: single nucleotide variant.
Coding change: c.1724G>T on transcript NM_145059.3 (MANE Select); coding-DNA position 1724, G replaced by T.
Protein change: p.Trp575Leu; replaces tryptophan 575 with leucine.
Molecular consequence: missense variant.
Genome position (GRCh38, 1-based): chr16:70,473,300, G>T. VCF-style: chr16-70473300-G-T. GRCh37 (hg19) VCF-style: chr16-70507203-G-T.
Other names: short protein forms W575L.
Identifiers: ClinVar variation 2864058 (VCV002864058.3), dbSNP rs2048693489, ClinGen allele CA396570974.